The following is an entry in ClinVar:

NM_003036.4(SKI):c.456C>T (p.Arg152=)

Gene: SKI (SKI proto-oncogene; plus strand). Cytogenetic location: 1p36.33.
Variant type: single nucleotide variant.
Coding change: c.456C>T on transcript NM_003036.4 (MANE Select); coding-DNA position 456, C replaced by T.
Protein change: p.Arg152=; no amino-acid change (arginine 152 retained).
Molecular consequence: synonymous variant.
Genome position (GRCh38, 1-based): chr1:2,229,222, C>T. VCF-style: chr1-2229222-C-T. GRCh37 (hg19) VCF-style: chr1-2160661-C-T.
Other names: p.R152R:CGC>CGT; p.Arg152=.
Identifiers: ClinVar variation 139111 (VCV000139111.63), dbSNP rs149898447, ClinGen allele CA293489.
Genomic context (GRCh38, chr1:2,229,222, plus strand): 5'-CGACTTCTCGCTGCAGCAGATCAACGCGGTGTGCGACGAGCTCCACATCTACTGCTCGCG[C>T]TGCACGGCCGACCAGCTGGAGATCCTCAAAGTCATGGGCATCCTGCCCTTCTCGGCGCCC-3'
Protein context (NP_003027.1, residues 142-162): VCDELHIYCS[Arg152=]CTADQLEILK

ClinVar aggregate classification (germline): Benign/Likely benign. Review status: criteria provided, multiple submitters, no conflicts (2 of 4 stars). 12 submissions from 12 submitters: Benign (10); Likely benign (2). Last evaluated 2026-09-01.

Conditions:
Familial thoracic aortic aneurysm and aortic dissection (TAAD). Also called: Thoracic aortic aneurysms and dissections. Identifiers: Orphanet 91387, MedGen C4707243, MONDO:0019625.
Shprintzen-Goldberg syndrome (SGS). Also called: CRANIOSYNOSTOSIS WITH ARACHNODACTYLY AND ABDOMINAL HERNIAS; SHPRINTZEN-GOLDBERG CRANIOSYNOSTOSIS SYNDROME; Marfanoid disorder with craniosynostosis type 1; Marfanoid craniosynostosis syndrome; Shprintzen-Goldberg marfanoid syndrome. Identifiers: Orphanet 2462, MedGen C1321551, MONDO:0008426, OMIM 182212.

Allele frequency attached by ClinVar (database versions not stated): 1000 Genomes Project 30x 0.00484; 1000 Genomes Project 0.00499; gnomAD exomes 0.00878 and 0.01321; TOPMed 0.00897; gnomAD 0.00937 and 0.00976; ExAC 0.01070; ESP Exome Variant Server 0.01256.
gnomAD v4.1: 20,581 of 1,608,254 alleles (1.3%); highest among the groups gnomAD compares: Non-Finnish European, 1.5%; 129 homozygotes.

Submissions (12):

CeGaT Center for Human Genetics Tuebingen
Classification: Benign. Last evaluated: 2026-09-01. Review status: criteria provided, single submitter. Criteria: CeGaT Center For Human Genetics Tuebingen Variant Classification Criteria Version 2. Collection method: clinical testing. Allele origin: germline. Affected: yes. Observed: 83 variant alleles.
Comment: SKI: BP4, BS1, BS2

Labcorp Genetics (formerly Invitae), Labcorp
Classification: Benign for Shprintzen-Goldberg syndrome. Last evaluated: 2026-02-04. Review status: criteria provided, single submitter. Criteria: Invitae Variant Classification Sherloc (09022015). Collection method: clinical testing. Allele origin: germline.

ARUP Laboratories, Molecular Genetics and Genomics, ARUP Laboratories
Classification: Benign for Shprintzen-Goldberg syndrome. Last evaluated: 2025-04-23. Review status: criteria provided, single submitter. Criteria: ARUP Molecular Germline Variant Investigation Process 2024. Collection method: clinical testing. Allele origin: germline.

Molecular Diagnostic Laboratory for Inherited Cardiovascular Disease, Montreal Heart Institute
Classification: Benign. Last evaluated: 2025-04-09. Review status: criteria provided, single submitter. Criteria: ACMG Guidelines, 2015. Collection method: clinical testing. Allele origin: germline. Affected: no.
Comment: BS1;BP7

Blueprint Genetics
Classification: Likely benign. Last evaluated: 2024-11-26. Review status: criteria provided, single submitter. Criteria: ACMG Guidelines, 2015. Collection method: clinical testing. Allele origin: germline.

Women's Health and Genetics/Laboratory Corporation of America, LabCorp
Classification: Benign. Last evaluated: 2023-04-04. Review status: criteria provided, single submitter. Criteria: LabCorp Variant Classification Summary - May 2015. Collection method: clinical testing. Allele origin: germline.

Fulgent Genetics
Classification: Likely benign for Shprintzen-Goldberg syndrome. Last evaluated: 2021-07-02. Review status: criteria provided, single submitter. Criteria: ACMG Guidelines, 2015. Collection method: clinical testing. Allele origin: unknown.

Mayo Clinic Laboratories, Mayo Clinic
Classification: Benign. Last evaluated: 2015-11-24. Review status: criteria provided, single submitter. Criteria: ACMG Guidelines, 2015. Collection method: clinical testing. Allele origin: germline. Observed: 48 variant alleles.

Ambry Genetics
Classification: Benign for Familial thoracic aortic aneurysm and aortic dissection. Last evaluated: 2015-02-05. Review status: criteria provided, single submitter. Criteria: Ambry Variant Classification Scheme 2023. Collection method: clinical testing. Allele origin: germline.

GeneDx
Classification: Benign. Last evaluated: 2014-05-19. Review status: criteria provided, single submitter. Criteria: GeneDx Variant Classification (06012015). Collection method: clinical testing. Allele origin: germline. Affected: yes.
Comment: This variant is considered likely benign or benign based on one or more of the following criteria: it is a conservative change, it occurs at a poorly conserved position in the protein, it is predicted to be benign by multiple in silico algorithms, and/or has population frequency not consistent with disease.

Breakthrough Genomics
Classification: Benign. Review status: criteria provided, single submitter. Criteria: ACMG Guidelines, 2015. Collection method: not provided. Allele origin: germline. Inheritance: Autosomal dominant inheritance. Affected: yes.

PreventionGenetics, part of Exact Sciences
Classification: Benign. Review status: criteria provided, single submitter. Criteria: ACMG Guidelines, 2015. Collection method: clinical testing. Allele origin: germline.